The following is an entry in ClinVar:

NM_004736.4(XPR1):c.772A>C (p.Lys258Gln)

Gene: XPR1 (xenotropic and polytropic retrovirus receptor 1; plus strand). Cytogenetic location: 1q25.3.
Variant type: single nucleotide variant.
Coding change: c.772A>C on transcript NM_004736.4 (MANE Select); coding-DNA position 772, A replaced by C.
Protein change: p.Lys258Gln; replaces lysine 258 with glutamine.
Molecular consequence: missense variant. On other transcripts: non-coding transcript variant (1).
Genome position (GRCh38, 1-based): chr1:180,824,761, A>C. VCF-style: chr1-180824761-A-C. GRCh37 (hg19) VCF-style: chr1-180793897-A-C.
Other names: c.772A>C, p.Lys258Gln (NM_001135669.2, NM_001328662.2); short protein forms K258Q.
Identifiers: ClinVar variation 1914910 (VCV001914910.5), dbSNP rs2525887277, ClinGen allele CA343839294.

ClinVar aggregate classification (germline): Uncertain significance (1 of 4 stars; one submission).

Submission:

Labcorp Genetics (formerly Invitae), Labcorp
Classification: Uncertain significance. Last evaluated: 2022-03-27. Review status: criteria provided, single submitter. Criteria: Invitae Variant Classification Sherloc (09022015). Collection method: clinical testing. Allele origin: germline.
Comment: This sequence change replaces lysine, which is basic and polar, with glutamine, which is neutral and polar, at codon 258 of the XPR1 protein (p.Lys258Gln). In summary, the available evidence is currently insufficient to determine the role of this variant in disease. Therefore, it has been classified as a Variant of Uncertain Significance. Algorithms developed to predict the effect of missense changes on protein structure and function (SIFT, PolyPhen-2, Align-GVGD) all suggest that this variant is likely to be tolerated. This variant has not been reported in the literature in individuals affected with XPR1-related conditions. This variant is not present in population databases (gnomAD no frequency).